The following is an entry in ClinVar:

NM_025233.7(COASY):c.1670C>T (p.Pro557Leu)

Gene: COASY (Coenzyme A synthase; plus strand). Cytogenetic location: 17q21.2.
Variant type: single nucleotide variant.
Coding change: c.1670C>T on transcript NM_025233.7 (MANE Select); coding-DNA position 1670, C replaced by T.
Protein change: p.Pro557Leu; replaces proline 557 with leucine.
Molecular consequence: missense variant.
Genome position (GRCh38, 1-based): chr17:42,565,943, C>T. VCF-style: chr17-42565943-C-T. GRCh37 (hg19) VCF-style: chr17-40717961-C-T.
Other names: c.1670C>T, p.Pro557Leu (NM_001042529.3); c.1757C>T, p.Pro586Leu (NM_001042532.4); c.1670C>T (NM_025233.6); c.1757C>T (NM_001042532.2); short protein forms P557L, P586L.
Identifiers: ClinVar variation 2033663 (VCV002033663.3), dbSNP rs536569335, ClinGen allele CA8578436.

ClinVar aggregate classification (germline): Uncertain significance. Review status: criteria provided, multiple submitters, no conflicts (2 of 4 stars). 3 submissions from 3 submitters: Uncertain significance (3). Last evaluated 2025-10-06.

Conditions:
Neurodegeneration with brain iron accumulation 6 (NBIA6). Also called: COASY protein-associated neurodegeneration. Identifiers: Orphanet 397725, MedGen C4517377, MONDO:0014290, OMIM 615643.

Allele frequency attached by ClinVar (database versions not stated): gnomAD 0.00001; 1000 Genomes Project 30x 0.00016; 1000 Genomes Project 0.00020; TOPMed 0.00003; ExAC 0.00004.

Submissions (3):

Ambry Genetics
Classification: Uncertain significance. Last evaluated: 2025-10-06. Review status: criteria provided, single submitter. Criteria: Ambry Variant Classification Scheme 2023. Collection method: clinical testing. Allele origin: germline.

GeneDx
Classification: Uncertain significance. Last evaluated: 2025-04-25. Review status: criteria provided, single submitter. Criteria: GeneDx Variant Classification Process June 2021. Collection method: clinical testing. Allele origin: germline. Affected: yes.
Comment: Not observed at significant frequency in large population cohorts (gnomAD); In silico analysis indicates that this missense variant does not alter protein structure/function; Has not been previously published as pathogenic or benign to our knowledge

Labcorp Genetics (formerly Invitae), Labcorp
Classification: Uncertain significance for Neurodegeneration with brain iron accumulation 6. Last evaluated: 2022-05-12. Review status: criteria provided, single submitter. Criteria: Invitae Variant Classification Sherloc (09022015). Collection method: clinical testing. Allele origin: germline.
Comment: This sequence change replaces proline, which is neutral and non-polar, with leucine, which is neutral and non-polar, at codon 557 of the COASY protein (p.Pro557Leu). This variant is present in population databases (rs536569335, gnomAD 0.004%). This variant has not been reported in the literature in individuals affected with COASY-related conditions. Algorithms developed to predict the effect of missense changes on protein structure and function (SIFT, PolyPhen-2, Align-GVGD) all suggest that this variant is likely to be tolerated. In summary, the available evidence is currently insufficient to determine the role of this variant in disease. Therefore, it has been classified as a Variant of Uncertain Significance.